The following is an entry in ClinVar:

ClinVar aggregate classification (germline): Uncertain significance (1 of 4 stars; one submission).

Conditions:
Hereditary cancer-predisposing syndrome. Also called: Neoplastic Syndromes, Hereditary; Tumor predisposition; Hereditary Cancer Syndrome; Hereditary neoplastic syndrome. Identifiers: Orphanet 140162, MedGen C0027672, MeSH D009386, MONDO:0015356.

Submission:

Ambry Genetics
Classification: Uncertain significance for Hereditary cancer-predisposing syndrome. Last evaluated: 2020-09-18. Review status: criteria provided, single submitter. Criteria: Ambry Variant Classification Scheme 2023. Collection method: clinical testing. Allele origin: germline.
Comment: The p.E70K variant (also known as c.208G>A), located in coding exon 2 of the CTNNA1 gene, results from a G to A substitution at nucleotide position 208. The glutamic acid at codon 70 is replaced by lysine, an amino acid with similar properties. This amino acid position is not well conserved in available vertebrate species. In addition, this alteration is predicted to be tolerated by in silico analysis. Since supporting evidence is limited at this time, the clinical significance of this alteration remains unclear.

NM_001903.5(CTNNA1):c.208G>A (p.Glu70Lys)

Gene: CTNNA1 (catenin alpha 1; plus strand). Cytogenetic location: 5q31.2.
Variant type: single nucleotide variant.
Coding change: c.208G>A on transcript NM_001903.5 (MANE Select); coding-DNA position 208, G replaced by A.
Protein change: p.Glu70Lys; replaces glutamic acid 70 with lysine.
Molecular consequence: missense variant. On other transcripts: intron variant (2).
Genome position (GRCh38, 1-based): chr5:138,783,279, G>A. VCF-style: chr5-138783279-G-A. GRCh37 (hg19) VCF-style: chr5-138118968-G-A.
Other names: c.208G>A, p.Glu70Lys (NM_001290307.3, NM_001323982.2, NM_001323983.1 and 3 more transcripts); c.-6+7G>A (NM_001290310.3); c.-9+1250G>A (NM_001290309.3); short protein forms E70K.
Identifiers: ClinVar variation 1785714 (VCV001785714.2), dbSNP rs2532178752, ClinGen allele CA361477472.